The following is an entry in ClinVar:

NM_000548.5(TSC2):c.1217_1218del (p.Arg406fs)

Gene: TSC2 (TSC complex subunit 2; plus strand). Cytogenetic location: 16p13.3.
Variant type: Microsatellite.
Coding change: c.1217_1218del on transcript NM_000548.5 (MANE Select); coding-DNA positions 1217 to 1218, 2 bases deleted (GA; older notation c.1217_1218delGA).
Protein change: p.Arg406fs; shifts the reading frame from arginine 406.
Molecular consequence: frameshift variant.
Genome position (GRCh38, 1-based): chr16:2,061,968-2,061,969, GA deleted; deleting any 2 consecutive bases within chr16:2,061,964-2,061,969 gives the same sequence; the c. name uses the placement nearest the transcript's 3' end. VCF-style (leftmost placement, unchanged base first): chr16-2061963-GGA-G. GRCh37 (hg19) VCF-style: chr16-2111964-GGA-G.
Other names: c.1217_1218del, p.Arg406fs (NM_001363528.2, NM_001370404.1, NM_001370405.1 and 3 more transcripts); c.1106_1107del, p.Arg369fs (NM_001318827.2); c.1070_1071del, p.Arg357fs (NM_001318829.2); c.617_618del, p.Arg206fs (NM_001318831.2); c.1250_1251del, p.Arg417fs (NM_001318832.2); c.1217_1218delGA (NM_000548.5); short protein forms R206fs, R369fs, R406fs, R357fs, R417fs.
Identifiers: ClinVar variation 1455058 (VCV001455058.7), dbSNP rs2151156291, ClinGen allele CA2580613380.

ClinVar aggregate classification (germline): Pathogenic. Review status: criteria provided, multiple submitters, no conflicts (2 of 4 stars). 2 submissions from 2 submitters: Pathogenic (2). Last evaluated 2021-10-12.

Conditions:
Tuberous sclerosis 2 (TSC2). Identifiers: Orphanet 805, MedGen C1860707, MONDO:0013199, OMIM 613254.

Submissions (2):

Labcorp Genetics (formerly Invitae), Labcorp
Classification: Pathogenic for Tuberous sclerosis 2. Last evaluated: 2021-10-12. Review status: criteria provided, single submitter. Criteria: Invitae Variant Classification Sherloc (09022015). Collection method: clinical testing. Allele origin: germline.
Comment: This variant has not been reported in the literature in individuals affected with TSC2-related conditions. This variant is not present in population databases (ExAC no frequency). This sequence change creates a premature translational stop signal (p.Arg406Ilefs*3) in the TSC2 gene. It is expected to result in an absent or disrupted protein product. Loss-of-function variants in TSC2 are known to be pathogenic (PMID: 10205261, 17304050). For these reasons, this variant has been classified as Pathogenic.

Oasi Research Institute-IRCCS
Classification: Pathogenic for Tuberous sclerosis 2. Review status: criteria provided, single submitter. Criteria: ACMG Guidelines, 2015. Collection method: research. Allele origin: de novo. Affected: yes.
Comment: The genomic variant is a frameshift deletion that results in the loss of two nucleotides within the coding sequence of the gene. This deletion leads to a frameshift mutation. It is expected to result in a protein truncation or nonsense mediated decay. ACMG criteria: PVS1 (LOF), PP4 (phenotype match), PM2 (absent from controls), PP3 (in silico evidence), PS2 (de novo) = Pathogenic. Based on the evidence outlined above, the variant was classified as Pathogenic.

Literature cited by the submitters: PubMed 10205261 (cited by Labcorp Genetics (formerly Invitae), Labcorp); PubMed 17304050 (cited by Labcorp Genetics (formerly Invitae), Labcorp).